The following is an entry in ClinVar:

ClinVar aggregate classification (germline): Uncertain significance (1 of 4 stars; one submission).

Allele frequency attached by ClinVar (database versions not stated): gnomAD exomes 0.00001.
gnomAD v4.1: 5 of 1,613,074 alleles (0.00031%); highest among the groups gnomAD compares: Non-Finnish European, 0.00042%; no homozygotes.

Submission:

CeGaT Center for Human Genetics Tuebingen
Classification: Uncertain significance. Last evaluated: 2023-02-01. Review status: criteria provided, single submitter. Criteria: CeGaT Center For Human Genetics Tuebingen Variant Classification Criteria Version 2. Collection method: clinical testing. Allele origin: germline. Affected: yes. Observed: 1 variant allele.
Comment: TRIO: PM2

NM_007118.4(TRIO):c.3414G>C (p.Gln1138His)

Gene: TRIO (trio Rho guanine nucleotide exchange factor; plus strand). Cytogenetic location: 5p15.2.
Variant type: single nucleotide variant.
Coding change: c.3414G>C on transcript NM_007118.4 (MANE Select); coding-DNA position 3414, G replaced by C.
Protein change: p.Gln1138His; replaces glutamine 1138 with histidine.
Molecular consequence: missense variant. On other transcripts: non-coding transcript variant (1).
Genome position (GRCh38, 1-based): chr5:14,378,094, G>C. VCF-style: chr5-14378094-G-C. GRCh37 (hg19) VCF-style: chr5-14378203-G-C.
Other names: short protein forms Q1138H.
Identifiers: ClinVar variation 2655323 (VCV002655323.24), dbSNP rs2532768916, ClinGen allele CA359220783.
Genomic context (GRCh38, chr5:14,378,094, plus strand): 5'-ACGGGAGAACAGGGTATTGCATTACTGGACCATGAGGAAGAGACGGCTGGACCAGTGTCA[G>C]CAGTACGTGGTCTTTGAGAGGAGTGCCAAGCAGGTCAGTGCACACCTGGTGCCCAGCCTC-3'
Protein context (NP_009049.2, residues 1128-1148): TMRKRRLDQC[Gln1138His]QYVVFERSAK